The following is an entry in ClinVar:

NM_016277.5(RAB23):c.237T>C (p.Tyr79=)

Gene: RAB23 (RAB23, member RAS oncogene family; minus strand). Cytogenetic location: 6p11.2.
Variant type: single nucleotide variant.
Coding change: c.237T>C on transcript NM_016277.5 (MANE Select); coding-DNA position 237, T replaced by C.
Protein change: p.Tyr79=; no amino-acid change (tyrosine 79 retained).
Molecular consequence: synonymous variant.
Genome position (GRCh38, 1-based): chr6:57,207,632, A>G on the plus strand (T>C on the coding strand, the complement: RAB23 is on the minus strand). VCF-style: chr6-57207632-A-G. GRCh37 (hg19) VCF-style: chr6-57072430-A-G.
Other names: c.237T>C, p.Tyr79= (NM_001278666.2, NM_001278667.2, NM_001278668.2 and 1 more transcripts).
Identifiers: ClinVar variation 4995056 (VCV004995056.1).

ClinVar aggregate classification (germline): Likely benign (1 of 4 stars; one submission).

Conditions:
RAB23-related disorder. Also called: RAB23-related condition.

Submission:

PreventionGenetics, part of Exact Sciences
Classification: Likely benign for RAB23-related condition. Last evaluated: 2026-09-09. Review status: criteria provided, single submitter. Criteria: ACMG Guidelines, 2015. Collection method: clinical testing. Allele origin: germline.
Comment: This variant is classified as likely benign based on ACMG/AMP sequence variant interpretation guidelines (Richards et al. 2015 PMID: 25741868, with internal and published modifications).